The following is an entry in ClinVar:

NM_003040.4(SLC4A2):c.459+4C>T

Gene: SLC4A2 (solute carrier family 4 member 2; plus strand). Cytogenetic location: 7q36.1.
Variant type: single nucleotide variant.
Coding change: c.459+4C>T on transcript NM_003040.4 (MANE Select); 4 bases into the intron after coding-DNA position 459, C replaced by T.
Molecular consequence: intron variant.
Genome position (GRCh38, 1-based): chr7:151,064,771, C>T. VCF-style: chr7-151064771-C-T. GRCh37 (hg19) VCF-style: chr7-150761858-C-T.
Other names: c.459+4C>T (NM_001199692.3); c.432+4C>T (NM_001199693.1); c.417+4C>T (NM_001199694.2).
Identifiers: ClinVar variation 2658177 (VCV002658177.24), dbSNP rs35021531, ClinGen allele CA4570818.

ClinVar aggregate classification (germline): Likely benign (1 of 4 stars; one submission).

Allele frequency attached by ClinVar (database versions not stated): 1000 Genomes Project 0.00020; 1000 Genomes Project 30x 0.00031; gnomAD 0.00044; gnomAD exomes 0.00054; ESP Exome Variant Server 0.00069; ExAC 0.00072; TOPMed 0.00073.
gnomAD v4.1: 906 of 1,607,068 alleles (0.056%); highest among the groups gnomAD compares: Middle Eastern, 0.033%; 7 homozygotes.

Submission:

CeGaT Center for Human Genetics Tuebingen
Classification: Likely benign. Last evaluated: 2023-09-01. Review status: criteria provided, single submitter. Criteria: CeGaT Center For Human Genetics Tuebingen Variant Classification Criteria Version 2. Collection method: clinical testing. Allele origin: germline. Affected: yes. Observed: 1 variant allele.
Comment: SLC4A2: BP4, BS2